The following is an entry in ClinVar:

ClinVar aggregate classification (germline): Likely benign. Review status: criteria provided, multiple submitters, no conflicts (2 of 4 stars). 3 submissions from 3 submitters: Likely benign (3). Last evaluated 2026-09-01.

Conditions:
RYR1-related disorder. Also called: RYR1-related disorders; RYR1-related condition. Identifiers: MedGen CN239331.

Allele frequency attached by ClinVar (database versions not stated): gnomAD exomes 0.00001.
gnomAD v4.1: 7 of 1,613,278 alleles (0.00043%); highest among the groups gnomAD compares: South Asian, 0.0022%; no homozygotes.

Submissions (3):

CeGaT Center for Human Genetics Tuebingen
Classification: Likely benign. Last evaluated: 2026-09-01. Review status: criteria provided, single submitter. Criteria: CeGaT Center For Human Genetics Tuebingen Variant Classification Criteria Version 2. Collection method: clinical testing. Allele origin: germline. Affected: yes. Observed: 1 variant allele.
Comment: RYR1: BP4, BP7

Blueprint Genetics
Classification: Likely benign. Last evaluated: 2023-09-12. Review status: criteria provided, single submitter. Criteria: ACMG Guidelines, 2015. Collection method: clinical testing. Allele origin: germline.

Labcorp Genetics (formerly Invitae), Labcorp
Classification: Likely benign for RYR1-related disorder. Last evaluated: 2023-06-20. Review status: criteria provided, single submitter. Criteria: Invitae Variant Classification Sherloc (09022015). Collection method: clinical testing. Allele origin: germline.

NM_000540.3(RYR1):c.7605G>A (p.Ser2535=)

Gene: RYR1 (ryanodine receptor 1; plus strand). Cytogenetic location: 19q13.2.
Variant type: single nucleotide variant.
Coding change: c.7605G>A on transcript NM_000540.3 (MANE Select); coding-DNA position 7605, G replaced by A.
Protein change: p.Ser2535=; no amino-acid change (serine 2535 retained).
Molecular consequence: synonymous variant.
Genome position (GRCh38, 1-based): chr19:38,500,981, G>A. VCF-style: chr19-38500981-G-A. GRCh37 (hg19) VCF-style: chr19-38991621-G-A.
Other names: c.7605G>A, p.Ser2535= (NM_001042723.2).
Identifiers: ClinVar variation 705386 (VCV000705386.12), dbSNP rs1241398552, ClinGen allele CA507354121.